The following is an entry in ClinVar:

NM_000487.6(ARSA):c.1123_1126del (p.Leu375fs)

Gene: ARSA (arylsulfatase A; minus strand). Cytogenetic location: 22q13.33.
Variant type: Microsatellite.
Coding change: c.1123_1126del on transcript NM_000487.6 (MANE Select); coding-DNA positions 1123 to 1126, 4 bases deleted (CTCT; older notation c.1123_1126delCTCT).
Protein change: p.Leu375fs; shifts the reading frame from leucine 375.
Molecular consequence: frameshift variant.
Genome position (GRCh38, 1-based): chr22:50,625,663-50,625,666, AGAG deleted on the plus strand (CTCT on the coding strand, the reverse complement: ARSA is on the minus strand); deleting any 4 consecutive bases within chr22:50,625,663-50,625,669 gives the same sequence; the c. name uses the placement nearest the transcript's 3' end. VCF-style (leftmost placement, unchanged base first): chr22-50625662-AAGAG-A. GRCh37 (hg19) VCF-style: chr22-51064090-AAGAG-A.
Other names: c.1123_1126del, p.Leu375fs (NM_001085425.3, NM_001085426.3, NM_001085427.3); c.865_868del, p.Leu289fs (NM_001085428.3, NM_001362782.2); short protein forms L375fs, L289fs.
Identifiers: ClinVar variation 973788 (VCV000973788.4), dbSNP rs398123412, ClinGen allele CA2410958605.

ClinVar aggregate classification (germline): Pathogenic. Review status: criteria provided, single submitter (1 of 4 stars). 2 submissions from 2 submitters: Pathogenic (1). 1 of the submissions does not count toward it. Last evaluated 2020-06-24.

Conditions:
Metachromatic leukodystrophy (MLD). Also called: ARSA DEFICIENCY; CEREBROSIDE SULFATASE DEFICIENCY; Cerebral sclerosis diffuse metachromatic form; SULFATIDE LIPIDOSIS; Arylsulfatase A Deficiency; METACHROMATIC LEUKOENCEPHALOPATHY. Identifiers: Orphanet 512, MedGen C0023522, MONDO:0018868, OMIM 250100.

Submissions (2):

Amsterdam Leukodystrophy Center, Amsterdam UMC
Classification: Pathogenic for Metachromatic leukodystrophy. Last evaluated: 2020-06-24. Review status: criteria provided, single submitter. Criteria: ACMG Guidelines, 2015. Collection method: clinical testing. Allele origin: inherited. Affected: yes.
Comment: Homozygous - novel (late-infantile MLD)

Clinical Genetics Laboratory, University Hospital Schleswig-Holstein
Classification: Pathogenic for Metachromatic leukodystrophy. Last evaluated: 2022-07-01. Review status: no assertion criteria provided. Collection method: clinical testing. Allele origin: germline. Affected: yes. Not counted in ClinVar's aggregate classification.

Literature cited by the submitters: PubMed 32632536 (cited by Amsterdam Leukodystrophy Center, Amsterdam UMC).